The following is an entry in ClinVar:

NM_001127222.2(CACNA1A):c.6494G>C (p.Arg2165Pro)

Gene: CACNA1A (calcium voltage-gated channel subunit alpha1 A; minus strand). Cytogenetic location: 19p13.13.
Variant type: single nucleotide variant.
Coding change: c.6494G>C on transcript NM_001127222.2 (MANE Select); coding-DNA position 6494, G replaced by C.
Protein change: p.Arg2165Pro; replaces arginine 2165 with proline.
Molecular consequence: missense variant.
Genome position (GRCh38, 1-based): chr19:13,209,344, C>G on the plus strand (G>C on the coding strand, the complement: CACNA1A is on the minus strand). VCF-style: chr19-13209344-C-G. GRCh37 (hg19) VCF-style: chr19-13320158-C-G.
Other names: c.6512G>C, p.Arg2171Pro (NM_000068.4, NM_023035.3); c.6497G>C, p.Arg2166Pro (NM_001127221.2); c.6503G>C, p.Arg2168Pro (NM_001174080.2); short protein forms R2171P, R2165P, R2166P, R2168P.
Identifiers: ClinVar variation 4087947 (VCV004087947.1).

ClinVar aggregate classification (germline): Uncertain significance (1 of 4 stars; one submission).

Submission:

GeneDx
Classification: Uncertain significance. Last evaluated: 2025-03-25. Review status: criteria provided, single submitter. Criteria: GeneDx Variant Classification Process June 2021. Collection method: clinical testing. Allele origin: germline. Affected: yes.
Comment: Not observed at significant frequency in large population cohorts (gnomAD); In silico analysis supports that this missense variant has a deleterious effect on protein structure/function; Has not been previously published as pathogenic or benign to our knowledge